The following is an entry in ClinVar:

ClinVar aggregate classification (germline): Pathogenic/Likely pathogenic. Review status: criteria provided, multiple submitters, no conflicts (2 of 4 stars). 7 submissions from 7 submitters: Pathogenic (5); Likely pathogenic (1). 1 of the submissions does not count toward it. Last evaluated 2025-04-28.

Conditions:
CUL7-related disorder. Also called: CUL7-related condition.
3M syndrome 1. Also called: 3-M Syndrome, CUL7-Related. Identifiers: Orphanet 2616, MedGen C2678312, MONDO:0010117, OMIM 273750.
3-M syndrome. Also called: 3M SYNDROME; Three M syndrome; 3-MSBN; Three-M slender-boned nanism. Identifiers: Orphanet 2616, MedGen C1848862, MONDO:0007477.

Allele frequency attached by ClinVar (database versions not stated): ExAC 0.00001; gnomAD exomes 0.00001.
gnomAD v4.1: 11 of 1,611,794 alleles (0.00068%); highest among the groups gnomAD compares: Admixed American, 0.005%; no homozygotes.

Submissions (7):

Labcorp Genetics (formerly Invitae), Labcorp
Classification: Pathogenic. Last evaluated: 2025-04-28. Review status: criteria provided, single submitter. Criteria: Invitae Variant Classification Sherloc (09022015). Collection method: clinical testing. Allele origin: germline.
Comment: This sequence change creates a premature translational stop signal (p.Arg1440*) in the CUL7 gene. It is expected to result in an absent or disrupted protein product. Loss-of-function variants in CUL7 are known to be pathogenic (PMID: 16142236, 17675530, 19225462). This variant is present in population databases (rs748555538, gnomAD 0.006%). This premature translational stop signal has been observed in individuals with 3-M syndrome (PMID: 16142236, 28969986). ClinVar contains an entry for this variant (Variation ID: 288359). For these reasons, this variant has been classified as Pathogenic.

Fulgent Genetics
Classification: Likely pathogenic for 3M syndrome 1. Last evaluated: 2024-05-15. Review status: criteria provided, single submitter. Criteria: ACMG Guidelines, 2015. Collection method: clinical testing. Allele origin: germline.

Genomic Medicine Center of Excellence, King Faisal Specialist Hospital and Research Centre
Classification: Pathogenic for 3M syndrome 1. Last evaluated: 2024-03-25. Review status: criteria provided, single submitter. Criteria: ACMG Guidelines, 2015. Collection method: research. Allele origin: germline.

Women's Health and Genetics/Laboratory Corporation of America, LabCorp
Classification: Pathogenic for 3-M syndrome. Last evaluated: 2024-01-15. Review status: criteria provided, single submitter. Criteria: LabCorp Variant Classification Summary - May 2015. Collection method: clinical testing. Allele origin: germline.
Comment: Variant summary: CUL7 c.4318C>T (p.Arg1440X) results in a premature termination codon, predicted to cause a truncation of the encoded protein or absence of the protein due to nonsense mediated decay, which are commonly known mechanisms for disease. The variant allele was found at a frequency of 1.2e-05 in 251140 control chromosomes. c.4318C>T has been reported in the literature in multiple individuals affected with Three M Syndrome 1 (e.g., Huber_2009). These data indicate that the variant is likely associated with disease. The following publication has been ascertained in the context of this evaluation (PMID: 19225462). ClinVar contains an entry for this variant (Variation ID: 288359). Based on the evidence outlined above, the variant was classified as pathogenic.

Blueprint Genetics
Classification: Pathogenic for CUL7-related disorders. Last evaluated: 2019-03-21. Review status: criteria provided, single submitter. Criteria: ACMG Guidelines, 2015. Collection method: clinical testing. Allele origin: germline. Affected: yes. Observed: 3 variant alleles.

Eurofins Ntd Llc (ga)
Classification: Pathogenic. Last evaluated: 2016-06-15. Review status: criteria provided, single submitter. Criteria: EGL Classification Definitions 2015. Collection method: clinical testing. Allele origin: germline. Observed: 3 variant alleles, 3 heterozygotes.

Department of Pediatrics, Taizhou Central Hospital, Taizhou University Hospital
Classification: Pathogenic for 3M syndrome 1. Last evaluated: 2024-02-01. Review status: no assertion criteria provided. Collection method: clinical testing. Allele origin: paternal. Affected: yes. Observed: 1 variant allele. Not counted in ClinVar's aggregate classification.

Literature cited by the submitters: PubMed 16142236 (cited by Labcorp Genetics (formerly Invitae), Labcorp); PubMed 17675530 (cited by Labcorp Genetics (formerly Invitae), Labcorp); PubMed 19225462 (cited by Labcorp Genetics (formerly Invitae), Labcorp and Women's Health and Genetics/Laboratory Corporation of America, LabCorp); PubMed 28969986 (cited by Labcorp Genetics (formerly Invitae), Labcorp).

NM_014780.5(CUL7):c.4318C>T (p.Arg1440Ter)

Gene: CUL7 (cullin 7; minus strand). Cytogenetic location: 6p21.1.
Variant type: single nucleotide variant.
Coding change: c.4318C>T on transcript NM_014780.5 (MANE Select); coding-DNA position 4318, C replaced by T.
Protein change: p.Arg1440Ter; replaces arginine 1440 with a stop codon.
Molecular consequence: nonsense.
Genome position (GRCh38, 1-based): chr6:43,038,964, G>A on the plus strand (C>T on the coding strand, the complement: CUL7 is on the minus strand). VCF-style: chr6-43038964-G-A. GRCh37 (hg19) VCF-style: chr6-43006702-G-A.
Other names: c.4414C>T, p.Arg1472Ter (NM_001168370.2, NM_001374872.1); c.4318C>T, p.Arg1440Ter (NM_001374873.1); c.4315C>T, p.Arg1439Ter (NM_001374874.1); short protein forms R1440*, R1439*, R1472*.
Identifiers: ClinVar variation 288359 (VCV000288359.13), dbSNP rs748555538, ClinGen allele CA3813238.